The following is an entry in ClinVar:

ClinVar aggregate classification (germline): Uncertain significance. Review status: criteria provided, multiple submitters, no conflicts (2 of 4 stars). 2 submissions from 2 submitters: Uncertain significance (2). Last evaluated 2022-06-13.

Conditions:
Developmental and epileptic encephalopathy, 50 (DEE50). Also called: Epileptic encephalopathy, early infantile, 50. Identifiers: Orphanet 448010, MedGen C4225320, MONDO:0014647, OMIM 616457.

Allele frequency attached by ClinVar (database versions not stated): gnomAD 0.00001; gnomAD exomes 0.00001 and 0.00002; ExAC 0.00002; TOPMed 0.00003.
gnomAD v4.1: 32 of 1,613,564 alleles (0.002%); highest among the groups gnomAD compares: Middle Eastern, 0.017%; no homozygotes.

Submissions (2):

Labcorp Genetics (formerly Invitae), Labcorp
Classification: Uncertain significance. Last evaluated: 2022-06-13. Review status: criteria provided, single submitter. Criteria: Invitae Variant Classification Sherloc (09022015). Collection method: clinical testing. Allele origin: germline.
Comment: This sequence change replaces arginine, which is basic and polar, with cysteine, which is neutral and slightly polar, at codon 287 of the CAD protein (p.Arg287Cys). This variant is present in population databases (rs753478495, gnomAD 0.006%). This variant has not been reported in the literature in individuals affected with CAD-related conditions. ClinVar contains an entry for this variant (Variation ID: 1028734). Algorithms developed to predict the effect of missense changes on protein structure and function are either unavailable or do not agree on the potential impact of this missense change (SIFT: "Deleterious"; PolyPhen-2: "Probably Damaging"; Align-GVGD: "Class C0"). In summary, the available evidence is currently insufficient to determine the role of this variant in disease. Therefore, it has been classified as a Variant of Uncertain Significance.

Baylor Genetics
Classification: Uncertain significance for Developmental and epileptic encephalopathy, 50. Last evaluated: 2019-09-20. Review status: criteria provided, single submitter. Criteria: ACMG Guidelines, 2015. Collection method: clinical testing. Allele origin: unknown. Affected: yes.
Comment: This variant was determined to be of uncertain significance according to ACMG Guidelines, 2015 [PMID:25741868].

NM_004341.5(CAD):c.859C>T (p.Arg287Cys)

Gene: CAD (carbamoyl-phosphate synthetase 2, aspartate transcarbamylase, and dihydroorotase; plus strand). Cytogenetic location: 2p23.3.
Variant type: single nucleotide variant.
Coding change: c.859C>T on transcript NM_004341.5 (MANE Select); coding-DNA position 859, C replaced by T.
Protein change: p.Arg287Cys; replaces arginine 287 with cysteine.
Molecular consequence: missense variant.
Genome position (GRCh38, 1-based): chr2:27,223,612, C>T. VCF-style: chr2-27223612-C-T. GRCh37 (hg19) VCF-style: chr2-27446480-C-T.
Other names: c.859C>T, p.Arg287Cys (NM_001306079.2); short protein forms R287C.
Identifiers: ClinVar variation 1028734 (VCV001028734.4), dbSNP rs753478495, ClinGen allele CA1572541.